The following is an entry in ClinVar:

ClinVar aggregate classification (germline): Uncertain significance. Review status: criteria provided, multiple submitters, no conflicts (2 of 4 stars). 2 submissions from 2 submitters: Uncertain significance (2). Last evaluated 2023-11-20.

Conditions:
Familial adenomatous polyposis 1 (FAP1). Also called: FAMILIAL ADENOMATOUS POLYPOSIS 1, ATTENUATED; POLYPOSIS, ADENOMATOUS INTESTINAL. Identifiers: MedGen C2713442, MONDO:0021056, OMIM 175100. Disease mechanism: loss of function.
Classic or attenuated familial adenomatous polyposis. Identifiers: MedGen CN372698, MONDO:0021057.

gnomAD v4.1: 1 of 1,614,212 alleles (0.000062%); no homozygotes.

Submissions (2):

All of Us Research Program, National Institutes of Health
Classification: Uncertain significance for Classic or attenuated familial adenomatous polyposis. Last evaluated: 2023-11-20. Review status: criteria provided, single submitter. Criteria: ACMG Guidelines, 2015. Collection method: clinical testing. Allele origin: germline. Inheritance: Autosomal dominant inheritance. Observed: 1 variant allele, 1 heterozygote.
Comment: This missense variant replaces lysine with glutamic acid at codon 1586 of the APC protein. Computational prediction suggests that this variant may not impact protein structure and function (internally defined REVEL score threshold <= 0.5, PMID: 27666373). To our knowledge, functional studies have not been reported for this variant. This variant has not been reported in individuals affected with APC-related disorders in the literature. This variant has not been identified in the general population by the Genome Aggregation Database (gnomAD). The available evidence is insufficient to determine the role of this variant in disease conclusively. Therefore, this variant is classified as a Variant of Uncertain Significance.

This study involves interpretation of variants in research participants for the purpose of population health screening. Participant phenotype was not available at the time of variant classification. Additional details can be found in publication PMID: 35346344, PMCID: PMC8962531

Labcorp Genetics (formerly Invitae), Labcorp
Classification: Uncertain significance for Familial adenomatous polyposis 1. Last evaluated: 2023-02-03. Review status: criteria provided, single submitter. Criteria: Invitae Variant Classification Sherloc (09022015). Collection method: clinical testing. Allele origin: germline.
Comment: This variant has not been reported in the literature in individuals affected with APC-related conditions. Advanced modeling of protein sequence and biophysical properties (such as structural, functional, and spatial information, amino acid conservation, physicochemical variation, residue mobility, and thermodynamic stability) performed at Invitae indicates that this missense variant is not expected to disrupt APC protein function. In summary, the available evidence is currently insufficient to determine the role of this variant in disease. Therefore, it has been classified as a Variant of Uncertain Significance. This variant is not present in population databases (gnomAD no frequency). This sequence change replaces lysine, which is basic and polar, with glutamic acid, which is acidic and polar, at codon 1586 of the APC protein (p.Lys1586Glu).

NM_000038.6(APC):c.4756A>G (p.Lys1586Glu)

Gene: APC (APC regulator of Wnt signaling pathway; plus strand). Cytogenetic location: 5q22.2.
Variant type: single nucleotide variant.
Coding change: c.4756A>G on transcript NM_000038.6 (MANE Select); coding-DNA position 4756, A replaced by G.
Protein change: p.Lys1586Glu; replaces lysine 1586 with glutamic acid.
Molecular consequence: missense variant. On other transcripts: non-coding transcript variant (2).
Genome position (GRCh38, 1-based): chr5:112,840,350, A>G. VCF-style: chr5-112840350-A-G. GRCh37 (hg19) VCF-style: chr5-112176047-A-G.
Other names: c.4756A>G, p.Lys1586Glu (NM_001127510.3, NM_001354895.2, NM_001407450.1); c.4702A>G, p.Lys1568Glu (NM_001127511.3); c.4810A>G, p.Lys1604Glu (NM_001354896.2, NM_001407447.1, NM_001407448.1 and 1 more transcripts); c.4786A>G, p.Lys1596Glu (NM_001354897.2); c.4681A>G, p.Lys1561Glu (NM_001354898.2); c.4672A>G, p.Lys1558Glu (NM_001354899.2); c.4633A>G, p.Lys1545Glu (NM_001354900.2); c.4579A>G, p.Lys1527Glu (NM_001354901.2, NM_001407453.1); and 11 more; short protein forms K1303E, K1460E, K1527E, K1561E, K1586E, K1604E, K1485E, K1503E.
Identifiers: ClinVar variation 2967157 (VCV002967157.4), dbSNP rs2149922989, ClinGen allele CA16031760.